The following is an entry in ClinVar:

ClinVar aggregate classification (germline): Uncertain significance (1 of 4 stars; one submission).

Conditions:
Ehlers-Danlos syndrome, classic type, 1 (EDSCL1). Also called: EHLERS-DANLOS SYNDROME, GRAVIS TYPE; EHLERS-DANLOS SYNDROME, SEVERE CLASSIC TYPE; Ehlers-Danlos syndrome, type 1; Ehlers-Danlos Syndrome, Classic Type, COL5A1-Related; EDS I. Identifiers: MedGen C0268335, MONDO:0019567, OMIM 130000.

Submission:

Labcorp Genetics (formerly Invitae), Labcorp
Classification: Uncertain significance for Ehlers-Danlos syndrome, classic type, 1. Last evaluated: 2024-10-30. Review status: criteria provided, single submitter. Criteria: Invitae Variant Classification Sherloc (09022015). Collection method: clinical testing. Allele origin: germline.
Comment: This sequence change replaces proline, which is neutral and non-polar, with alanine, which is neutral and non-polar, at codon 1293 of the COL5A1 protein (p.Pro1293Ala). This variant is not present in population databases (gnomAD no frequency). This variant has not been reported in the literature in individuals affected with COL5A1-related conditions. Invitae Evidence Modeling of protein sequence and biophysical properties (such as structural, functional, and spatial information, amino acid conservation, physicochemical variation, residue mobility, and thermodynamic stability) indicates that this missense variant is not expected to disrupt COL5A1 protein function with a negative predictive value of 80%. In summary, the available evidence is currently insufficient to determine the role of this variant in disease. Therefore, it has been classified as a Variant of Uncertain Significance.

NM_000093.5(COL5A1):c.3877C>G (p.Pro1293Ala)

Gene: COL5A1 (collagen type V alpha 1 chain; plus strand). Cytogenetic location: 9q34.3.
Variant type: single nucleotide variant.
Coding change: c.3877C>G on transcript NM_000093.5 (MANE Select); coding-DNA position 3877, C replaced by G.
Protein change: p.Pro1293Ala; replaces proline 1293 with alanine.
Molecular consequence: missense variant.
Genome position (GRCh38, 1-based): chr9:134,814,007, C>G. VCF-style: chr9-134814007-C-G. GRCh37 (hg19) VCF-style: chr9-137705853-C-G.
Other names: c.3877C>G, p.Pro1293Ala (NM_001278074.1); short protein forms P1293A.
Identifiers: ClinVar variation 3704089 (VCV003704089.2).